The following is an entry in ClinVar:

NM_002439.5(MSH3):c.2219C>G (p.Pro740Arg)

Gene: MSH3 (mutS homolog 3; plus strand). Cytogenetic location: 5q14.1.
Variant type: single nucleotide variant.
Coding change: c.2219C>G on transcript NM_002439.5 (MANE Select); coding-DNA position 2219, C replaced by G.
Protein change: p.Pro740Arg; replaces proline 740 with arginine.
Molecular consequence: missense variant.
Genome position (GRCh38, 1-based): chr5:80,768,969, C>G. VCF-style: chr5-80768969-C-G. GRCh37 (hg19) VCF-style: chr5-80064788-C-G.
Other names: short protein forms P740R.
Identifiers: ClinVar variation 1787883 (VCV001787883.2), dbSNP rs2546774306, ClinGen allele CA360279693.

ClinVar aggregate classification (germline): Uncertain significance (1 of 4 stars; one submission).

Conditions:
Hereditary cancer-predisposing syndrome. Also called: Neoplastic Syndromes, Hereditary; Tumor predisposition; Hereditary Cancer Syndrome; Hereditary neoplastic syndrome. Identifiers: Orphanet 140162, MedGen C0027672, MeSH D009386, MONDO:0015356.

Submission:

Ambry Genetics
Classification: Uncertain significance for Hereditary cancer-predisposing syndrome. Last evaluated: 2020-09-28. Review status: criteria provided, single submitter. Criteria: Ambry Variant Classification Scheme 2023. Collection method: clinical testing. Allele origin: germline.
Comment: The p.P740R variant (also known as c.2219C>G), located in coding exon 15 of the MSH3 gene, results from a C to G substitution at nucleotide position 2219. The proline at codon 740 is replaced by arginine, an amino acid with dissimilar properties. This amino acid position is highly conserved in available vertebrate species. In addition, the in silico prediction for this alteration is inconclusive. Since supporting evidence is limited at this time, the clinical significance of this alteration remains unclear.